The following is an entry in ClinVar:

ClinVar aggregate classification (germline): Uncertain significance (1 of 4 stars; one submission).

Conditions:
Muscular dystrophy-dystroglycanopathy type B6 (MDDGB6). Also called: MUSCULAR DYSTROPHY, CONGENITAL, LARGE-RELATED; MUSCULAR DYSTROPHY, CONGENITAL, TYPE 1D; MUSCULAR DYSTROPHY-DYSTROGLYCANOPATHY (CONGENITAL WITH IMPAIRED INTELLECTUAL DEVELOPMENT), TYPE B, 6. Identifiers: MedGen C1837229, MONDO:0012138, OMIM 608840.

Allele frequency attached by ClinVar (database versions not stated): ExAC 0.00002; gnomAD exomes 0.00002 and 0.00003; gnomAD 0.00003 and 0.00004; TOPMed 0.00003.
gnomAD v4.1: 53 of 1,614,034 alleles (0.0033%); highest among the groups gnomAD compares: African/African-American, 0.0067%; no homozygotes.

Submission:

Labcorp Genetics (formerly Invitae), Labcorp
Classification: Uncertain significance for Muscular dystrophy-dystroglycanopathy type B6. Last evaluated: 2022-07-06. Review status: criteria provided, single submitter. Criteria: Invitae Variant Classification Sherloc (09022015). Collection method: clinical testing. Allele origin: germline.
Comment: This sequence change replaces arginine, which is basic and polar, with histidine, which is basic and polar, at codon 741 of the LARGE1 protein (p.Arg741His). This variant is present in population databases (rs747003834, gnomAD 0.008%). This variant has not been reported in the literature in individuals affected with LARGE1-related conditions. ClinVar contains an entry for this variant (Variation ID: 1022064). Algorithms developed to predict the effect of missense changes on protein structure and function (SIFT, PolyPhen-2, Align-GVGD) all suggest that this variant is likely to be tolerated. In summary, the available evidence is currently insufficient to determine the role of this variant in disease. Therefore, it has been classified as a Variant of Uncertain Significance.

NM_133642.5(LARGE1):c.2222G>A (p.Arg741His)

Gene: LARGE1 (LARGE xylosyl- and glucuronyltransferase 1; minus strand). Cytogenetic location: 22q12.3.
Variant type: single nucleotide variant.
Coding change: c.2222G>A on transcript NM_133642.5 (MANE Select); coding-DNA position 2222, G replaced by A.
Protein change: p.Arg741His; replaces arginine 741 with histidine.
Molecular consequence: missense variant.
Genome position (GRCh38, 1-based): chr22:33,274,476, C>T on the plus strand (G>A on the coding strand, the complement: LARGE1 is on the minus strand). VCF-style: chr22-33274476-C-T. GRCh37 (hg19) VCF-style: chr22-33670462-C-T.
Other names: c.2222G>A, p.Arg741His (NM_001362949.2, NM_001362951.2, NM_001362953.2 and 4 more transcripts); c.2075G>A, p.Arg692His (NM_001378627.1, NM_001378628.1); c.2066G>A, p.Arg689His (NM_001378629.1); c.1619G>A, p.Arg540His (NM_001378630.1); c.1316G>A, p.Arg439His (NM_001378631.1); short protein forms R439H, R540H, R689H, R692H, R741H.
Identifiers: ClinVar variation 1022064 (VCV001022064.6), dbSNP rs747003834, ClinGen allele CA10202542.